The following is an entry in ClinVar:

ClinVar aggregate classification (germline): Conflicting classifications of pathogenicity. Review status: criteria provided, conflicting classifications (1 of 4 stars). 2 submissions from 2 submitters: Likely pathogenic (1); Uncertain significance (1). Last evaluated 2025-11-13.

Conditions:
Progressive sclerosing poliodystrophy (MTDPS4A). Also called: NEURONAL DEGENERATION OF CHILDHOOD WITH LIVER DISEASE, PROGRESSIVE; Alpers Syndrome; ALPERS DIFFUSE DEGENERATION OF CEREBRAL GRAY MATTER WITH HEPATIC CIRRHOSIS; Alpers-Huttenlocher Syndrome; Mitochondrial DNA depletion syndrome 4A (Alpers type); Mitochondrial DNA Depletion Syndrome 4A. Identifiers: Orphanet 726, MedGen C0205710, MONDO:0008758, OMIM 203700.

Allele frequency attached by ClinVar (database versions not stated): TOPMed below 0.00001; gnomAD 0.00001.
gnomAD v4.1: 1 of 1,614,006 alleles (0.000062%); highest among the groups gnomAD compares: Non-Finnish European, 0.000085%; no homozygotes.

Submissions (2):

GeneDx
Classification: Likely pathogenic. Last evaluated: 2025-11-13. Review status: criteria provided, single submitter. Criteria: GeneDx Variant Classification Process June 2021. Collection method: clinical testing. Allele origin: germline. Affected: yes.
Comment: Not observed at significant frequency in large population cohorts (gnomAD); In silico analysis supports that this missense variant has a deleterious effect on protein structure/function; Has not been previously published as pathogenic or benign to our knowledge

Labcorp Genetics (formerly Invitae), Labcorp
Classification: Uncertain significance for Progressive sclerosing poliodystrophy. Last evaluated: 2023-11-28. Review status: criteria provided, single submitter. Criteria: Invitae Variant Classification Sherloc (09022015). Collection method: clinical testing. Allele origin: germline.
Comment: This sequence change replaces cysteine, which is neutral and slightly polar, with arginine, which is basic and polar, at codon 1197 of the POLG protein (p.Cys1197Arg). This variant is not present in population databases (gnomAD no frequency). This variant has not been reported in the literature in individuals affected with POLG-related conditions. ClinVar contains an entry for this variant (Variation ID: 1350928). Advanced modeling of protein sequence and biophysical properties (such as structural, functional, and spatial information, amino acid conservation, physicochemical variation, residue mobility, and thermodynamic stability) performed at Invitae indicates that this missense variant is expected to disrupt POLG protein function with a positive predictive value of 95%. In summary, the available evidence is currently insufficient to determine the role of this variant in disease. Therefore, it has been classified as a Variant of Uncertain Significance.

NM_002693.3(POLG):c.3589T>C (p.Cys1197Arg)

Gene: POLG (DNA polymerase gamma, catalytic subunit; minus strand). Cytogenetic location: 15q26.1.
Variant type: single nucleotide variant.
Coding change: c.3589T>C on transcript NM_002693.3 (MANE Select); coding-DNA position 3589, T replaced by C.
Protein change: p.Cys1197Arg; replaces cysteine 1197 with arginine.
Molecular consequence: missense variant.
Genome position (GRCh38, 1-based): chr15:89,317,430, A>G on the plus strand (T>C on the coding strand, the complement: POLG is on the minus strand). VCF-style: chr15-89317430-A-G. GRCh37 (hg19) VCF-style: chr15-89860661-A-G.
Other names: c.3589T>C, p.Cys1197Arg (NM_001126131.2); short protein forms C1197R.
Identifiers: ClinVar variation 1350928 (VCV001350928.7), dbSNP rs1426811174, ClinGen allele CA393747407.